The following is an entry in ClinVar:

ClinVar aggregate classification (germline): Uncertain significance (1 of 4 stars; one submission).

Conditions:
Fanconi anemia (FA). Also called: Fanconi's anemia. Identifiers: Orphanet 84, MedGen C0015625, MeSH D005199, MONDO:0019391.

Submission:

Labcorp Genetics (formerly Invitae), Labcorp
Classification: Uncertain significance for Fanconi anemia. Last evaluated: 2022-02-02. Review status: criteria provided, single submitter. Criteria: Invitae Variant Classification Sherloc (09022015). Collection method: clinical testing. Allele origin: germline.
Comment: This sequence change creates a premature translational stop signal (p.Gly296*) in the FANCF gene. While this is not anticipated to result in nonsense mediated decay, it is expected to disrupt the last 79 amino acid(s) of the FANCF protein. In summary, the available evidence is currently insufficient to determine the role of this variant in disease. Therefore, it has been classified as a Variant of Uncertain Significance. Experimental studies and prediction algorithms are not available or were not evaluated, and the functional significance of this variant is currently unknown. This variant has not been reported in the literature in individuals affected with FANCF-related conditions. This variant is not present in population databases (gnomAD no frequency).

NM_022725.4(FANCF):c.886G>T (p.Gly296Ter)

Genes: FANCF (FA complementation group F; minus strand), LOC130005444 (ATAC-STARR-seq lymphoblastoid active region 4534; plus strand). Cytogenetic location: 11p14.3.
Variant type: single nucleotide variant.
Coding change: c.886G>T on transcript NM_022725.4 (MANE Select); coding-DNA position 886, G replaced by T.
Protein change: p.Gly296Ter; replaces glycine 296 with a stop codon.
Molecular consequence: nonsense.
Genome position (GRCh38, 1-based): chr11:22,624,925, C>A on the plus strand (G>T on the coding strand, the complement: FANCF is on the minus strand). VCF-style: chr11-22624925-C-A. GRCh37 (hg19) VCF-style: chr11-22646471-C-A.
Other names: short protein forms G296*.
Identifiers: ClinVar variation 1981321 (VCV001981321.4), dbSNP rs1858618210, ClinGen allele CA380058128.